The following is an entry in ClinVar:

NM_023077.3(COA7):c.188A>G (p.Glu63Gly)

Gene: COA7 (cytochrome c oxidase assembly factor 7; minus strand). Cytogenetic location: 1p32.3.
Variant type: single nucleotide variant.
Coding change: c.188A>G on transcript NM_023077.3 (MANE Select); coding-DNA position 188, A replaced by G.
Protein change: p.Glu63Gly; replaces glutamic acid 63 with glycine.
Molecular consequence: missense variant.
Genome position (GRCh38, 1-based): chr1:52,692,786, T>C on the plus strand (A>G on the coding strand, the complement: COA7 is on the minus strand). VCF-style: chr1-52692786-T-C. GRCh37 (hg19) VCF-style: chr1-53158458-T-C.
Other names: short protein forms E63G.
Identifiers: ClinVar variation 1923357 (VCV001923357.5), dbSNP rs150954861, ClinGen allele CA855694.

ClinVar aggregate classification (germline): Uncertain significance (1 of 4 stars; one submission).

Allele frequency attached by ClinVar (database versions not stated): TOPMed 0.00001; ExAC 0.00002; gnomAD 0.00002; gnomAD exomes 0.00005; 1000 Genomes Project 30x 0.00031; 1000 Genomes Project 0.00040.
gnomAD v4.1: 75 of 1,614,130 alleles (0.0046%); highest among the groups gnomAD compares: East Asian, 0.16%; no homozygotes.

Submission:

Labcorp Genetics (formerly Invitae), Labcorp
Classification: Uncertain significance. Last evaluated: 2024-02-24. Review status: criteria provided, single submitter. Criteria: Invitae Variant Classification Sherloc (09022015). Collection method: clinical testing. Allele origin: germline.
Comment: This sequence change replaces glutamic acid, which is acidic and polar, with glycine, which is neutral and non-polar, at codon 63 of the COA7 protein (p.Glu63Gly). This variant is present in population databases (rs150954861, gnomAD 0.02%). This variant has not been reported in the literature in individuals affected with COA7-related conditions. ClinVar contains an entry for this variant (Variation ID: 1923357). An algorithm developed to predict the effect of missense changes on protein structure and function (PolyPhen-2) suggests that this variant is likely to be disruptive. In summary, the available evidence is currently insufficient to determine the role of this variant in disease. Therefore, it has been classified as a Variant of Uncertain Significance.